The following is an entry in ClinVar:

NM_000169.3(GLA):c.744_745del (p.Phe248fs)

Genes: GLA (galactosidase alpha; minus strand), RPL36A-HNRNPH2 (RPL36A-HNRNPH2 readthrough; plus strand). Cytogenetic location: Xq22.1.
Variant type: Deletion.
Coding change: c.744_745del on transcript NM_000169.3 (MANE Select); coding-DNA positions 744 to 745, 2 bases deleted (TA; older notation c.744_745delTA).
Protein change: p.Phe248fs; shifts the reading frame from phenylalanine 248.
Molecular consequence: frameshift variant. On other transcripts: non-coding transcript variant (3), intron variant (2).
Genome position (GRCh38, 1-based): chrX:101,398,841-101,398,842, TA deleted on the plus strand (TA on the coding strand, the reverse complement: GLA is on the minus strand). VCF-style (leftmost placement, unchanged base first): chrX-101398840-TTA-T. GRCh37 (hg19) VCF-style: chrX-100653828-TTA-T.
Other names: c.867_868del, p.Phe289fs (NM_001406747.1); c.744_745del, p.Phe248fs (NM_001406748.1); c.300+3384_300+3385del (NM_001199973.2); c.177+7019_177+7020del (NM_001199974.2); short protein forms F248fs, F289fs.
Identifiers: ClinVar variation 4086999 (VCV004086999.2), dbSNP rs869312395.

ClinVar aggregate classification (germline): Pathogenic (1 of 4 stars; one submission).

Conditions:
Fabry disease. Also called: ALPHA-GALACTOSIDASE A DEFICIENCY; ANDERSON-FABRY DISEASE; CERAMIDE TRIHEXOSIDASE DEFICIENCY; GLA DEFICIENCY; HEREDITARY DYSTOPIC LIPIDOSIS; Angiokeratoma corporis diffusum. Identifiers: Orphanet 324, MedGen C0002986, MONDO:0010526, OMIM 301500, HP:0001071. Disease mechanism: Fabry disease is due to inactivating mutations in the X-linked GLA gene resulting in deficiency of the enzyme Alpha Galactosidase-A., loss of function.

Submission:

Genomenon, Inc
Classification: Pathogenic for Fabry disease. Last evaluated: 2026-09-08. Review status: criteria provided, single submitter. Criteria: Genomenon Sequence Variant Interpretation Standards - Updated. Collection method: curation. Allele origin: germline. Affected: yes.
Comment: GLA p.Phe248LeufsTer7 (c.744_745del) is a frameshift variant that is predicted to introduce a premature termination codon and result in a truncated or absent protein product. This variant has been observed in at least one proband with clinical features consistent with Fabry disease (PMID:34785703;38304433;37470867;22710134;27773586;33807900;39980015;28728877;28682471). The variant was found to segregate with disease in at least one affected family (PMID:37470867). Functional or patient cell studies have been reported (PMID:37470867;22710134;27773586;28682471). It is absent or not present at a significant frequency in gnomAD. In conclusion, we classify GLA p.Phe248LeufsTer7 (c.744_745del) as a pathogenic variant.

Literature cited by the submitters: PubMed 34785703; PubMed 38304433; PubMed 37470867; PubMed 22710134; PubMed 27773586; PubMed 33807900; PubMed 39980015; PubMed 28728877; PubMed 28682471.